The following is an entry in ClinVar:

NM_000554.6(CRX):c.100+3_100+5delinsTTA

Gene: CRX (cone-rod homeobox; plus strand). Cytogenetic location: 19q13.33.
Variant type: Indel.
Coding change: c.100+3_100+5delinsTTA on transcript NM_000554.6 (MANE Select); bases 3 to 5 of the intron after coding-DNA position 100, GAG replaced by TTA.
Molecular consequence: intron variant.
Genome position (GRCh38, 1-based): chr19:47,834,546-47,834,548, GAG replaced by TTA. VCF-style: chr19-47834546-GAG-TTA. GRCh37 (hg19) VCF-style: chr19-48337803-GAG-TTA.
Other names: c.100+3_100+5delinsTTA (NM_000554.4).
Identifiers: ClinVar variation 422939 (VCV000422939.12), dbSNP rs1064796109, ClinGen allele CA16620868.

ClinVar aggregate classification (germline): Pathogenic/Likely pathogenic. Review status: criteria provided, multiple submitters, no conflicts (2 of 4 stars). 3 submissions from 3 submitters: Pathogenic (2); Likely pathogenic (1). Last evaluated 2025-06-23.

Conditions:
CRX-related disorders.
Cone-rod dystrophy 2 (CORD2). Also called: CONE-ROD RETINAL DYSTROPHY; Cone-rod retinal dystrophy 2. Identifiers: Orphanet 1872, MedGen C3489532, MONDO:0007362, OMIM 120970.
Leber congenital amaurosis 7 (LCA7). Identifiers: Orphanet 65, MedGen C3151192, MONDO:0013449, OMIM 613829.

Submissions (3):

Labcorp Genetics (formerly Invitae), Labcorp
Classification: Pathogenic for Cone-rod dystrophy 2; Leber congenital amaurosis 7. Last evaluated: 2025-06-23. Review status: criteria provided, single submitter. Criteria: Invitae Variant Classification Sherloc (09022015). Collection method: clinical testing. Allele origin: germline.
Comment: This sequence change falls in intron 2 of the CRX gene. It does not directly change the encoded amino acid sequence of the CRX protein. It affects a nucleotide within the consensus splice site. Information on the frequency of this variant in the gnomAD database is not available, as this variant may be reported differently in the database. This variant has been observed in individuals with clinical features of autosomal dominant CRX-related conditions (internal data). ClinVar contains an entry for this variant (Variation ID: 422939). Variants that disrupt the consensus splice site are a relatively common cause of aberrant splicing (PMID: 17576681, 9536098). For these reasons, this variant has been classified as Pathogenic.

GeneDx
Classification: Likely pathogenic. Last evaluated: 2024-02-20. Review status: criteria provided, single submitter. Criteria: GeneDx Variant Classification Process June 2021. Collection method: clinical testing. Allele origin: germline. Affected: yes.
Comment: Has not been previously published as pathogenic or benign to our knowledge; Intronic variant directly or indirectly altering the +5 splice site in a gene for which loss of function is a known mechanism of disease, and splice predictors support a deleterious effect; Not observed at significant frequency in large population cohorts (gnomAD)

Blueprint Genetics
Classification: Pathogenic for CRX-related disorders. Last evaluated: 2022-08-17. Review status: criteria provided, single submitter. Criteria: ACMG Guidelines, 2015. Collection method: clinical testing. Allele origin: germline. Affected: yes. Observed: 5 variant alleles.

Literature cited by the submitters: PubMed 17576681 (cited by Labcorp Genetics (formerly Invitae), Labcorp); PubMed 9536098 (cited by Labcorp Genetics (formerly Invitae), Labcorp).